The following is an entry in ClinVar:

NM_024529.5(CDC73):c.907+4A>G

Gene: CDC73 (cell division cycle 73; plus strand). Cytogenetic location: 1q31.2.
Variant type: single nucleotide variant.
Coding change: c.907+4A>G on transcript NM_024529.5 (MANE Select); 4 bases into the intron after coding-DNA position 907, A replaced by G.
Molecular consequence: intron variant.
Genome position (GRCh38, 1-based): chr1:193,150,386, A>G. VCF-style: chr1-193150386-A-G. GRCh37 (hg19) VCF-style: chr1-193119516-A-G.
Identifiers: ClinVar variation 1010582 (VCV001010582.7), dbSNP rs768964233, ClinGen allele CA1303493.

ClinVar aggregate classification (germline): Uncertain significance (1 of 4 stars; one submission).

Conditions:
Parathyroid carcinoma (PRTC). Also called: Parathyroid gland carcinoma; CDC73-Related Parathyroid Carcinoma. Identifiers: Orphanet 143, MedGen C0687150, MONDO:0012004, OMIM 608266, HP:0006780.

Allele frequency attached by ClinVar (database versions not stated): gnomAD exomes below 0.00001; ExAC 0.00001.
gnomAD v4.1: 2 of 1,593,568 alleles (0.00013%); highest among the groups gnomAD compares: East Asian, 0.0022%; no homozygotes.

Submission:

Labcorp Genetics (formerly Invitae), Labcorp
Classification: Uncertain significance for Parathyroid carcinoma. Last evaluated: 2023-08-22. Review status: criteria provided, single submitter. Criteria: Invitae Variant Classification Sherloc (09022015). Collection method: clinical testing. Allele origin: germline.
Comment: This variant is present in population databases (rs768964233, gnomAD 0.006%). This sequence change falls in intron 9 of the CDC73 gene. It does not directly change the encoded amino acid sequence of the CDC73 protein. It affects a nucleotide within the consensus splice site. This variant has not been reported in the literature in individuals affected with CDC73-related conditions. In summary, the available evidence is currently insufficient to determine the role of this variant in disease. Therefore, it has been classified as a Variant of Uncertain Significance. Variants that disrupt the consensus splice site are a relatively common cause of aberrant splicing (PMID: 17576681, 9536098). Algorithms developed to predict the effect of sequence changes on RNA splicing suggest that this variant is not likely to affect RNA splicing. ClinVar contains an entry for this variant (Variation ID: 1010582).

Literature cited by the submitters: PubMed 17576681; PubMed 9536098.